The following is an entry in ClinVar:

NM_019851.3(FGF20):c.469A>G (p.Lys157Glu)

Gene: FGF20 (fibroblast growth factor 20; minus strand). Cytogenetic location: 8p22.
Variant type: single nucleotide variant.
Coding change: c.469A>G on transcript NM_019851.3 (MANE Select); coding-DNA position 469, A replaced by G.
Protein change: p.Lys157Glu; replaces lysine 157 with glutamic acid.
Molecular consequence: missense variant.
Genome position (GRCh38, 1-based): chr8:16,993,239, T>C on the plus strand (A>G on the coding strand, the complement: FGF20 is on the minus strand). VCF-style: chr8-16993239-T-C. GRCh37 (hg19) VCF-style: chr8-16850748-T-C.
Other names: short protein forms K157E.
Identifiers: ClinVar variation 2493399 (VCV002493399.3), dbSNP rs750479279, ClinGen allele CA4641586.
Genomic context (GRCh38, chr8:16,993,239, plus strand): 5'-CTCTTGGAGTTCCGTCTTTGTTAAGTGCCACAAAATACCTGCGGCCAGTGTCTCCATGTT[T>C]ATATATGTTAGATGAATAGGTGTTATACCAGTTCTCTTCAAACTGCTCCCTAAAGATGCA-3'
Protein context (NP_062825.1, residues 147-167): WYNTYSSNIY[Lys157Glu]HGDTGRRYFV

ClinVar aggregate classification (germline): Uncertain significance. Review status: criteria provided, multiple submitters, no conflicts (2 of 4 stars). 2 submissions from 2 submitters: Uncertain significance (2). Last evaluated 2025-11-08.

Allele frequency attached by ClinVar (database versions not stated): gnomAD exomes below 0.00001; ExAC 0.00001; gnomAD 0.00004; TOPMed 0.00006.
gnomAD v4.1: 12 of 1,614,060 alleles (0.00074%); highest among the groups gnomAD compares: African/African-American, 0.016%; no homozygotes.

Submissions (2):

Labcorp Genetics (formerly Invitae), Labcorp
Classification: Uncertain significance. Last evaluated: 2025-11-08. Review status: criteria provided, single submitter. Criteria: Invitae Variant Classification Sherloc (09022015). Collection method: clinical testing. Allele origin: germline.
Comment: This sequence change replaces lysine, which is basic and polar, with glutamic acid, which is acidic and polar, at codon 157 of the FGF20 protein (p.Lys157Glu). This variant is present in population databases (rs750479279, gnomAD 0.008%). This variant has not been reported in the literature in individuals affected with FGF20-related conditions. ClinVar contains an entry for this variant (Variation ID: 2493399). An algorithm developed to predict the effect of missense changes on protein structure and function (PolyPhen-2) suggests that this variant is likely to be disruptive. In summary, the available evidence is currently insufficient to determine the role of this variant in disease. Therefore, it has been classified as a Variant of Uncertain Significance.

Ambry Genetics
Classification: Uncertain significance. Last evaluated: 2023-03-02. Review status: criteria provided, single submitter. Criteria: Ambry Variant Classification Scheme 2023. Collection method: clinical testing. Allele origin: germline.